The following is an entry in ClinVar:

ClinVar aggregate classification (germline): Likely pathogenic (1 of 4 stars; one submission).

Conditions:
3-methylglutaconic aciduria with deafness, encephalopathy, and Leigh-like syndrome (MEGDEL). Also called: SERAC1 Deficiency; MEGDEL syndrome; 3-METHYLGLUTACONIC ACIDURIA, TYPE VI. Identifiers: Orphanet 352328, MedGen C4040739, MONDO:0013875, OMIM 614739.

Submission:

Labcorp Genetics (formerly Invitae), Labcorp
Classification: Likely pathogenic for 3-methylglutaconic aciduria with deafness, encephalopathy, and Leigh-like syndrome. Last evaluated: 2021-02-13. Review status: criteria provided, single submitter. Criteria: Invitae Variant Classification Sherloc (09022015). Collection method: clinical testing. Allele origin: germline.
Comment: This sequence change affects a donor splice site in intron 15 of the SERAC1 gene. It is expected to disrupt RNA splicing. Variants that disrupt the donor or acceptor splice site typically lead to a loss of protein function (PMID: 16199547), and loss-of-function variants in SERAC1 are known to be pathogenic (PMID: 22683713). This variant is not present in population databases (ExAC no frequency). This variant has not been reported in the literature in individuals with SERAC1-related conditions. Algorithms developed to predict the effect of sequence changes on RNA splicing suggest that this variant may disrupt the consensus splice site, but this prediction has not been confirmed by published transcriptional studies. In summary, the currently available evidence indicates that the variant is pathogenic, but additional data are needed to prove that conclusively. Therefore, this variant has been classified as Likely Pathogenic.

Literature cited by the submitters: PubMed 16199547; PubMed 22683713.

NM_032861.4(SERAC1):c.1684+1G>T

Gene: SERAC1 (serine active site containing 1; minus strand). Cytogenetic location: 6q25.3.
Variant type: single nucleotide variant.
Coding change: c.1684+1G>T on transcript NM_032861.4 (MANE Select); the canonical splice donor site of the intron after coding-DNA position 1684, G replaced by T.
Molecular consequence: splice donor variant. On other transcripts: non-coding transcript variant (1).
Genome position (GRCh38, 1-based): chr6:158,114,788, C>A on the plus strand (G>T on the coding strand, the complement: SERAC1 is on the minus strand). VCF-style: chr6-158114788-C-A. GRCh37 (hg19) VCF-style: chr6-158535820-C-A.
Identifiers: ClinVar variation 1525175 (VCV001525175.8), dbSNP rs2128410576, ClinGen allele CA366254875.
Genomic context (GRCh38, chr6:158,114,788, plus strand): 5'-TTCTTCTCTGTGTAACTGATGTTAATATAACCCCAATTTCCTTTATGACAAAAAGTATTA[C>A]CCTTGCTGAGTTCTTTGACTTCCAACGAGGGGAAGAGAAGATAGCGAATATTAACAGAGT-3'